The following is an entry in ClinVar:

ClinVar aggregate classification (germline): Uncertain significance (1 of 4 stars; one submission).

gnomAD v4.1: 12 of 1,613,090 alleles (0.00074%); highest among the groups gnomAD compares: South Asian, 0.0088%; no homozygotes.

Submission:

Labcorp Genetics (formerly Invitae), Labcorp
Classification: Uncertain significance. Last evaluated: 2022-06-27. Review status: criteria provided, single submitter. Criteria: Invitae Variant Classification Sherloc (09022015). Collection method: clinical testing. Allele origin: germline.
Comment: Advanced modeling of protein sequence and biophysical properties (such as structural, functional, and spatial information, amino acid conservation, physicochemical variation, residue mobility, and thermodynamic stability) performed at Invitae indicates that this missense variant is not expected to disrupt CLCN2 protein function. In summary, the available evidence is currently insufficient to determine the role of this variant in disease. Therefore, it has been classified as a Variant of Uncertain Significance. This sequence change replaces proline, which is neutral and non-polar, with threonine, which is neutral and polar, at codon 734 of the CLCN2 protein (p.Pro734Thr). This variant is present in population databases (rs558074883, gnomAD 0.005%). This variant has not been reported in the literature in individuals affected with CLCN2-related conditions.

NM_004366.6(CLCN2):c.2200C>A (p.Pro734Thr)

Gene: CLCN2 (chloride voltage-gated channel 2; minus strand). Cytogenetic location: 3q27.1.
Variant type: single nucleotide variant.
Coding change: c.2200C>A on transcript NM_004366.6 (MANE Select); coding-DNA position 2200, C replaced by A.
Protein change: p.Pro734Thr; replaces proline 734 with threonine.
Molecular consequence: missense variant.
Genome position (GRCh38, 1-based): chr3:184,352,754, G>T on the plus strand (C>A on the coding strand, the complement: CLCN2 is on the minus strand). VCF-style: chr3-184352754-G-T. GRCh37 (hg19) VCF-style: chr3-184070542-G-T.
Other names: c.2149C>A, p.Pro717Thr (NM_001171087.3); c.2068C>A, p.Pro690Thr (NM_001171088.3); c.2200C>A, p.Pro734Thr (NM_001171089.3); short protein forms P717T, P734T, P690T.
Identifiers: ClinVar variation 1413294 (VCV001413294.6), dbSNP rs558074883, ClinGen allele CA88891551.